The following is an entry in ClinVar:

NM_003748.4(ALDH4A1):c.415C>T (p.Arg139Cys)

Gene: ALDH4A1 (aldehyde dehydrogenase 4 family member A1; minus strand). Cytogenetic location: 1p36.13.
Variant type: single nucleotide variant.
Coding change: c.415C>T on transcript NM_003748.4 (MANE Select); coding-DNA position 415, C replaced by T.
Protein change: p.Arg139Cys; replaces arginine 139 with cysteine.
Molecular consequence: missense variant.
Genome position (GRCh38, 1-based): chr1:18,885,511, G>A on the plus strand (C>T on the coding strand, the complement: ALDH4A1 is on the minus strand). VCF-style: chr1-18885511-G-A. GRCh37 (hg19) VCF-style: chr1-19212005-G-A.
Other names: c.235C>T, p.Arg79Cys (NM_001161504.2); c.415C>T, p.Arg139Cys (NM_001319218.2, NM_170726.3); short protein forms R139C, R79C.
Identifiers: ClinVar variation 1015310 (VCV001015310.9), dbSNP rs942019101, ClinGen allele CA18781109.

ClinVar aggregate classification (germline): Uncertain significance (1 of 4 stars; one submission).

Conditions:
Hyperprolinemia type 2 (HYRPRO2). Also called: Delta-1-pyrroline-5-carboxylate dehydrogenase deficiency; 1-PYRROLINE-5-CARBOXYLATE DEHYDROGENASE DEFICIENCY; Deficiency of pyrroline-5-carboxylate reductase. Identifiers: Orphanet 79101, MedGen C2931835, MONDO:0009401, OMIM 239510.

Allele frequency attached by ClinVar (database versions not stated): gnomAD exomes 0.00001 and 0.00004; gnomAD 0.00002; TOPMed 0.00005.
gnomAD v4.1: 50 of 1,501,052 alleles (0.0033%); highest among the groups gnomAD compares: Admixed American, 0.0075%; no homozygotes.

Submission:

Labcorp Genetics (formerly Invitae), Labcorp
Classification: Uncertain significance for Hyperprolinemia type 2. Last evaluated: 2020-08-15. Review status: criteria provided, single submitter. Criteria: Invitae Variant Classification Sherloc (09022015). Collection method: clinical testing. Allele origin: germline.
Comment: This variant has not been reported in the literature in individuals with ALDH4A1-related conditions. Algorithms developed to predict the effect of missense changes on protein structure and function are either unavailable or do not agree on the potential impact of this missense change (SIFT: "Tolerated"; PolyPhen-2: "Possibly Damaging"; Align-GVGD: "Class C0"). In summary, the available evidence is currently insufficient to determine the role of this variant in disease. Therefore, it has been classified as a Variant of Uncertain Significance. This sequence change replaces arginine with cysteine at codon 139 of the ALDH4A1 protein (p.Arg139Cys). The arginine residue is moderately conserved and there is a large physicochemical difference between arginine and cysteine. This variant is not present in population databases (ExAC no frequency).